The following is an entry in ClinVar:

NM_000051.4(ATM):c.6461A>T (p.Glu2154Val)

Genes: ATM (ATM serine/threonine kinase; plus strand), C11orf65 (chromosome 11 open reading frame 65; minus strand). Cytogenetic location: 11q22.3.
Variant type: single nucleotide variant.
Coding change: c.6461A>T on transcript NM_000051.4 (MANE Select); coding-DNA position 6461, A replaced by T.
Protein change: p.Glu2154Val; replaces glutamic acid 2154 with valine.
Molecular consequence: missense variant. On other transcripts: intron variant (2).
Genome position (GRCh38, 1-based): chr11:108,321,309, A>T. VCF-style: chr11-108321309-A-T. GRCh37 (hg19) VCF-style: chr11-108192036-A-T.
Other names: c.6461A>T, p.Glu2154Val (NM_001351834.2); c.641-12238T>A (NM_001330368.2); c.*39-12238T>A (NM_001351110.2); short protein forms E2154V.
Identifiers: ClinVar variation 1692869 (VCV001692869.9), dbSNP rs2136238562, ClinGen allele CA382553853.

ClinVar aggregate classification (germline): Uncertain significance. Review status: criteria provided, multiple submitters, no conflicts (2 of 4 stars). 3 submissions from 3 submitters: Uncertain significance (3). Last evaluated 2022-10-05.

Conditions:
Ataxia-telangiectasia syndrome (AT). Also called: Ataxia telangiectasia (A-T); LOUIS-BAR SYNDROME; Cerebello-oculocutaneous telangiectasia; Immunodeficiency with ataxia telangiectasia; Ataxia-telangiectasia, complementation group D; AT, COMPLEMENTATION GROUP C. Identifiers: Orphanet 100, MedGen C0004135, MONDO:0008840, OMIM 208900.
Hereditary cancer-predisposing syndrome. Also called: Hereditary neoplastic syndrome; Neoplastic Syndromes, Hereditary; Tumor predisposition; Hereditary Cancer Syndrome. Identifiers: Orphanet 140162, MedGen C0027672, MeSH D009386, MONDO:0015356.

Submissions (3):

Labcorp Genetics (formerly Invitae), Labcorp
Classification: Uncertain significance for Ataxia-telangiectasia syndrome. Last evaluated: 2022-10-05. Review status: criteria provided, single submitter. Criteria: Invitae Variant Classification Sherloc (09022015). Collection method: clinical testing. Allele origin: germline.
Comment: This sequence change replaces glutamic acid, which is acidic and polar, with valine, which is neutral and non-polar, at codon 2154 of the ATM protein (p.Glu2154Val). This variant is not present in population databases (gnomAD no frequency). This variant has not been reported in the literature in individuals affected with ATM-related conditions. ClinVar contains an entry for this variant (Variation ID: 1692869). Algorithms developed to predict the effect of missense changes on protein structure and function (SIFT, PolyPhen-2, Align-GVGD) all suggest that this variant is likely to be tolerated. In summary, the available evidence is currently insufficient to determine the role of this variant in disease. Therefore, it has been classified as a Variant of Uncertain Significance.

Ambry Genetics
Classification: Uncertain significance for Hereditary cancer-predisposing syndrome. Last evaluated: 2022-03-03. Review status: criteria provided, single submitter. Criteria: Ambry Variant Classification Scheme 2023. Collection method: clinical testing. Allele origin: germline.
Comment: The p.E2154V variant (also known as c.6461A>T), located in coding exon 44 of the ATM gene, results from an A to T substitution at nucleotide position 6461. The glutamic acid at codon 2154 is replaced by valine, an amino acid with dissimilar properties. This amino acid position is conserved. In addition, the in silico prediction for this alteration is inconclusive. Since supporting evidence is limited at this time, the clinical significance of this alteration remains unclear.

Sema4
Classification: Uncertain significance for Hereditary cancer-predisposing syndrome. Last evaluated: 2021-08-24. Review status: criteria provided, single submitter. Criteria: Sema4 Curation Guidelines. Collection method: curation. Allele origin: germline.
Comment: The ATM c.6461A>T (p.E2154V) variant has not been reported in the literature to our knowledge. It was not observed in the large and broad cohorts of the Genome Aggregation Database. The variant has not been reported in ClinVar. Functional studies have not been performed, and in silico predictions of the variant's effect on protein function are inconclusive. The evidence is insufficient to meet ACMG/AMP criteria for classifying the variant as benign or pathogenic. Thus, the clinical significance of this variant is currently uncertain.